The following is an entry in ClinVar:

ClinVar aggregate classification (germline): Conflicting classifications of pathogenicity. Review status: criteria provided, conflicting classifications (1 of 4 stars). 6 submissions from 6 submitters: Uncertain significance (4); Likely benign (1). 1 of the submissions does not count toward it. Last evaluated 2025-12-01.

Conditions:
Sitosterolemia 1. Identifiers: MedGen C2749759, MONDO:0020747, OMIM 210250.
ABCG8-related disorder. Also called: ABCG8-related condition.
Cardiovascular phenotype. Identifiers: MedGen CN230736.

Allele frequency attached by ClinVar (database versions not stated): TOPMed 0.00001; ExAC 0.00029; 1000 Genomes Project 30x 0.00031; 1000 Genomes Project 0.00040.
gnomAD v4.1: 181 of 1,614,118 alleles (0.011%); highest among the groups gnomAD compares: South Asian, 0.17%; 3 homozygotes.

Submissions (6):

Labcorp Genetics (formerly Invitae), Labcorp
Classification: Likely benign. Last evaluated: 2025-12-01. Review status: criteria provided, single submitter. Criteria: Invitae Variant Classification Sherloc (09022015). Collection method: clinical testing. Allele origin: germline.

Mayo Clinic Laboratories, Mayo Clinic
Classification: Uncertain significance. Last evaluated: 2025-10-09. Review status: criteria provided, single submitter. Criteria: ACMG Guidelines, 2015. Collection method: clinical testing. Allele origin: germline. Observed: 1 variant allele.
Comment: BP4_moderate

Ambry Genetics
Classification: Uncertain significance for Cardiovascular phenotype. Last evaluated: 2024-07-14. Review status: criteria provided, single submitter. Criteria: Ambry Variant Classification Scheme 2023. Collection method: clinical testing. Allele origin: germline.
Comment: The p.A342S variant (also known as c.1024G>T), located in coding exon 7 of the ABCG8 gene, results from a G to T substitution at nucleotide position 1024. The alanine at codon 342 is replaced by serine, an amino acid with similar properties. This amino acid position is conserved. In addition, this alteration is predicted to be tolerated by in silico analysis. Since supporting evidence is limited at this time, the clinical significance of this alteration remains unclear.

Revvity Omics, Revvity
Classification: Uncertain significance for Sitosterolemia 1. Last evaluated: 2024-03-04. Review status: criteria provided, single submitter. Criteria: ACMG Guidelines, 2015. Collection method: clinical testing. Allele origin: germline.

Eurofins Ntd Llc (ga)
Classification: Uncertain significance. Last evaluated: 2018-03-26. Review status: criteria provided, single submitter. Criteria: EGL ClinVar v180209 classification definitions. Collection method: clinical testing. Allele origin: germline. Observed: 1 variant allele, 1 heterozygote.

PreventionGenetics, part of Exact Sciences
Classification: Likely benign for ABCG8-related condition. Last evaluated: 2023-12-01. Review status: no assertion criteria provided. Collection method: clinical testing. Allele origin: germline. Not counted in ClinVar's aggregate classification.
Comment: This variant is classified as likely benign based on ACMG/AMP sequence variant interpretation guidelines (Richards et al. 2015 PMID: 25741868, with internal and published modifications).

NM_022437.3(ABCG8):c.1024G>T (p.Ala342Ser)

Gene: ABCG8 (ATP binding cassette subfamily G member 8; plus strand). Cytogenetic location: 2p21.
Variant type: single nucleotide variant.
Coding change: c.1024G>T on transcript NM_022437.3 (MANE Select); coding-DNA position 1024, G replaced by T.
Protein change: p.Ala342Ser; replaces alanine 342 with serine.
Molecular consequence: missense variant.
Genome position (GRCh38, 1-based): chr2:43,872,035, G>T. VCF-style: chr2-43872035-G-T. GRCh37 (hg19) VCF-style: chr2-44099174-G-T.
Other names: p.Ala342Ser; c.1024G>T, p.Ala342Ser (NM_001357321.2); short protein forms A342S.
Identifiers: ClinVar variation 596381 (VCV000596381.16), dbSNP rs145373839, ClinGen allele CA1637256.